The following is an entry in ClinVar:

ClinVar aggregate classification (germline): Pathogenic (1 of 4 stars; one submission).

Conditions:
Neurofibromatosis, type 1 (NF1). Also called: VON RECKLINGHAUSEN DISEASE; Neurofibromatosis, type I; NEUROFIBROMATOSIS, TYPE I, SOMATIC; Peripheral type neurofibromatosis. Identifiers: Orphanet 636, MedGen C0027831, MONDO:0018975, OMIM 162200. Disease mechanism: loss of function.

Submission:

Labcorp Genetics (formerly Invitae), Labcorp
Classification: Pathogenic for Neurofibromatosis, type 1. Last evaluated: 2021-07-04. Review status: criteria provided, single submitter. Criteria: Invitae Variant Classification Sherloc (09022015). Collection method: clinical testing. Allele origin: germline.
Comment: This sequence change creates a premature translational stop signal (p.Ala717Glnfs*31) in the NF1 gene. It is expected to result in an absent or disrupted protein product. Loss-of-function variants in NF1 are known to be pathogenic (PMID: 10712197, 23913538). This variant is not present in population databases (ExAC no frequency). This premature translational stop signal has been observed in individual(s) with neurofibromatosis, type 1 (PMID: 16199547). For these reasons, this variant has been classified as Pathogenic.

Literature cited by the submitters: PubMed 10712197; PubMed 23913538; PubMed 16199547.

NM_001042492.3(NF1):c.2148del (p.Ala717fs)

Gene: NF1 (neurofibromin 1; plus strand). Cytogenetic location: 17q11.2.
Variant type: Deletion.
Coding change: c.2148del on transcript NM_001042492.3 (MANE Select); coding-DNA position 2148, one base deleted (A; older notation c.2148delA).
Protein change: p.Ala717fs; shifts the reading frame from alanine 717.
Molecular consequence: frameshift variant.
Genome position (GRCh38, 1-based): chr17:31,226,581, A deleted; the last of 2 consecutive A bases (chr17:31,226,580-31,226,581); deleting either gives the same sequence. VCF-style (leftmost placement, unchanged base first): chr17-31226579-GA-G. GRCh37 (hg19) VCF-style: chr17-29553597-GA-G.
Other names: c.2148delA, p.Ala717Glnfs (NM_000267.4); short protein forms A717fs.
Identifiers: ClinVar variation 1396739 (VCV001396739.6), dbSNP rs2151425907, ClinGen allele CA2573153258.